The following is an entry in ClinVar:

NM_182972.3(IRF2BP2):c.468C>G (p.Ile156Met)

Genes: IRF2BP2 (interferon regulatory factor 2 binding protein 2; minus strand), LOC129932812 (ATAC-STARR-seq lymphoblastoid silent region 1977; plus strand). Cytogenetic location: 1q42.3.
Variant type: single nucleotide variant.
Coding change: c.468C>G on transcript NM_182972.3 (MANE Select); coding-DNA position 468, C replaced by G.
Protein change: p.Ile156Met; replaces isoleucine 156 with methionine.
Molecular consequence: missense variant.
Genome position (GRCh38, 1-based): chr1:234,609,027, G>C on the plus strand (C>G on the coding strand, the complement: IRF2BP2 is on the minus strand). VCF-style: chr1-234609027-G-C. GRCh37 (hg19) VCF-style: chr1-234744773-G-C.
Other names: c.468C>G, p.Ile156Met (NM_001077397.1); short protein forms I156M.
Identifiers: ClinVar variation 1472208 (VCV001472208.8), dbSNP rs761558293, ClinGen allele CA345310234.

ClinVar aggregate classification (germline): Uncertain significance (1 of 4 stars; one submission).

gnomAD v4.1: 7 of 1,321,302 alleles (0.00053%); highest among the groups gnomAD compares: Non-Finnish European, 0.00067%; no homozygotes.

Submission:

Labcorp Genetics (formerly Invitae), Labcorp
Classification: Uncertain significance. Last evaluated: 2024-12-23. Review status: criteria provided, single submitter. Criteria: Invitae Variant Classification Sherloc (09022015). Collection method: clinical testing. Allele origin: germline.
Comment: This sequence change replaces isoleucine, which is neutral and non-polar, with methionine, which is neutral and non-polar, at codon 156 of the IRF2BP2 protein (p.Ile156Met). This variant is not present in population databases (gnomAD no frequency). This variant has not been reported in the literature in individuals affected with IRF2BP2-related conditions. ClinVar contains an entry for this variant (Variation ID: 1472208). An algorithm developed to predict the effect of missense changes on protein structure and function (PolyPhen-2) suggests that this variant is likely to be disruptive. In summary, the available evidence is currently insufficient to determine the role of this variant in disease. Therefore, it has been classified as a Variant of Uncertain Significance.